The following is an entry in ClinVar:

NM_001009944.3(PKD1):c.6961del (p.Ser2321fs)

Gene: PKD1 (polycystin 1, transient receptor potential channel interacting; minus strand). Cytogenetic location: 16p13.3.
Variant type: Deletion.
Coding change: c.6961del on transcript NM_001009944.3 (MANE Select); coding-DNA position 6961, one base deleted (A; older notation c.6961delA).
Protein change: p.Ser2321fs; shifts the reading frame from serine 2321.
Molecular consequence: frameshift variant.
Genome position (GRCh38, 1-based): chr16:2,107,987, T deleted on the plus strand (A on the coding strand, the reverse complement: PKD1 is on the minus strand). VCF-style (leftmost placement, unchanged base first): chr16-2107986-CT-C. GRCh37 (hg19) VCF-style: chr16-2157987-CT-C.
Other names: c.6961del, p.Ser2321fs (NM_000296.4); short protein forms S2321fs.
Identifiers: ClinVar variation 4997555 (VCV004997555.1).
Genomic context (GRCh38, chr16:2,107,986, plus strand): 5'-GTCAGGCTGAAGGTGTACTCCACGCCAGCCGCCAGCCGCTCCCGTGGAATGGTGACCGTG[CT>C]GCTCCCGCGGGGCCCAAAGTTCAGCGCACACCCGCCAGCCTCCCTCTGCAGGCCGAGAAC-3'

ClinVar aggregate classification (germline): Pathogenic (1 of 4 stars; one submission).

Conditions:
PKD1-related disorder. Also called: PKD1-related condition.

Submission:

PreventionGenetics, part of Exact Sciences
Classification: Pathogenic for PKD1-related condition. Last evaluated: 2024-11-19. Review status: criteria provided, single submitter. Criteria: ACMG Guidelines, 2015. Collection method: clinical testing. Allele origin: germline.
Comment: The PKD1 c.6961delA variant is predicted to result in a frameshift and premature protein termination (p.Ser2321Alafs*20). To our knowledge, this variant has not been reported in the literature or in a large population database (gnomAD), indicating this variant is rare. Frameshift variants in PKD1 are expected to be pathogenic. This variant is interpreted as pathogenic.